The following is an entry in ClinVar:

NC_000011.9:g.(?_108115509)_(108236241_?)dup

Genes: ATM (ATM serine/threonine kinase; plus strand), C11orf65 (chromosome 11 open reading frame 65; minus strand), LOC128772356 (melanoma risk locus-associated MPRA allelic enhancer 11:108140516; plus strand), LOC129390354 (MPRA-validated peak1451 silencer; plus strand). Cytogenetic location: 11q22.3.
Variant type: Duplication.
Identifiers: ClinVar variation 524489 (VCV000524489.1).

ClinVar aggregate classification (germline): Uncertain significance (1 of 4 stars; one submission).

Conditions:
Ataxia-telangiectasia syndrome (AT). Also called: ATAXIA-TELANGIECTASIA, COMPLEMENTATION GROUP A; ATAXIA-TELANGIECTASIA, FRESNO VARIANT; Ataxia-telangiectasia; Ataxia-telangiectasia, complementation group D; AT, COMPLEMENTATION GROUP C; Ataxia-telangiectasia, complementation group E. Identifiers: Orphanet 100, MedGen C0004135, MONDO:0008840, OMIM 208900.

Submission:

Labcorp Genetics (formerly Invitae), Labcorp
Classification: Uncertain significance for Ataxia-telangiectasia syndrome. Last evaluated: 2017-10-16. Review status: criteria provided, single submitter. Criteria: Invitae Variant Classification Sherloc (09022015). Collection method: clinical testing. Allele origin: germline.
Comment: This variant is a gross duplication of the genomic region encompassing exons 7-63 of the ATM gene. The 5' boundary is likely confined to intron 6. The 3' end of this event is unknown as it extends beyond the assayed region for this gene and therefore may encompass additional genes. The exact location of this variant in the genome is unknown. This variant has not been reported in the literature in individuals with ATM-related disease. Experimental studies and prediction algorithms are not available for this variant, and the functional significance of the duplicated exons is currently unknown. In summary, the genomic location of this duplication is unknown and the impact of this variant on ATM protein function has not been established. Therefore, it has been classified as a Variant of Uncertain Significance.